The following is an entry in ClinVar:

NM_000070.3(CAPN3):c.1986del (p.Gly663fs)

Gene: CAPN3 (calpain 3; plus strand). Cytogenetic location: 15q15.1.
Variant type: Deletion.
Coding change: c.1986del on transcript NM_000070.3 (MANE Select); coding-DNA position 1986, one base deleted (A; older notation c.1986delA).
Protein change: p.Gly663fs; shifts the reading frame from glycine 663.
Molecular consequence: frameshift variant. On other transcripts: 5 prime UTR variant (2).
Genome position (GRCh38, 1-based): chr15:42,409,374, A deleted. VCF-style (leftmost placement, unchanged base first): chr15-42409373-CA-C. GRCh37 (hg19) VCF-style: chr15-42701571-CA-C.
Other names: c.1968del, p.Gly657fs (NM_024344.2); c.1710del, p.Gly571fs (NM_173087.2); c.450del, p.Gly151fs (NM_173088.2); c.-10del (NM_173089.2, NM_173090.2); c.*1084delA (NM_212464.2); c.*1661delA (NM_212467.2); short protein forms G151fs, G657fs, G571fs, G663fs.
Identifiers: ClinVar variation 2130114 (VCV002130114.4), dbSNP rs2548290249, ClinGen allele CA2580089410.

ClinVar aggregate classification (germline): Pathogenic (1 of 4 stars; one submission).

Conditions:
Autosomal recessive limb-girdle muscular dystrophy type 2A (LGMDR1). Also called: Calpainopathy; Muscular dystrophy, limb-girdle, type 2A, Amish; LEYDEN-MOEBIUS MUSCULAR DYSTROPHY; MUSCULAR DYSTROPHY, PELVOFEMORAL; Limb-girdle muscular dystrophy, type 2A. Identifiers: Orphanet 267, MedGen C1869123, MONDO:0009675, OMIM 253600. Disease mechanism: loss of function.

Submission:

Labcorp Genetics (formerly Invitae), Labcorp
Classification: Pathogenic for Autosomal recessive limb-girdle muscular dystrophy type 2A. Last evaluated: 2022-04-24. Review status: criteria provided, single submitter. Criteria: Invitae Variant Classification Sherloc (09022015). Collection method: clinical testing. Allele origin: germline.
Comment: For these reasons, this variant has been classified as Pathogenic. This variant has not been reported in the literature in individuals affected with CAPN3-related conditions. This variant is not present in population databases (gnomAD no frequency). This sequence change creates a premature translational stop signal (p.Gly663Glufs*19) in the CAPN3 gene. It is expected to result in an absent or disrupted protein product. Loss-of-function variants in CAPN3 are known to be pathogenic (PMID: 10330340, 15689361).

Literature cited by the submitters: PubMed 10330340; PubMed 15689361.